The following is an entry in ClinVar:

ClinVar aggregate classification (germline): Benign (0 of 4 stars; one submission).

Conditions:
CELSR1-related disorder. Also called: CELSR1-related condition.

Allele frequency attached by ClinVar (database versions not stated): 1000 Genomes Project 0.00399; 1000 Genomes Project 30x 0.00406; TOPMed 0.00991; gnomAD 0.01093; ExAC 0.01151; ESP Exome Variant Server 0.01277.
gnomAD v4.1: 25,696 of 1,611,818 alleles (1.6%); highest among the groups gnomAD compares: Non-Finnish European, 1.9%; 264 homozygotes.

Submission:

PreventionGenetics, part of Exact Sciences
Classification: Benign for CELSR1-related condition. Last evaluated: 2021-04-14. Review status: no assertion criteria provided. Collection method: clinical testing. Allele origin: germline.
Comment: This variant is classified as benign based on ACMG/AMP sequence variant interpretation guidelines (Richards et al. 2015 PMID: 25741868, with internal and published modifications).

NM_001378328.1(CELSR1):c.7584+9A>T

Genes: CELSR1 (cadherin EGF LAG seven-pass G-type receptor 1; minus strand), LOC121627952 (CDK7 strongly-dependent group 2 enhancer GRCh37_chr22:46772879-46774078; plus strand). Cytogenetic location: 22q13.31.
Variant type: single nucleotide variant.
Coding change: c.7584+9A>T on transcript NM_001378328.1 (MANE Select); 9 bases into the intron after coding-DNA position 7584, A replaced by T.
Molecular consequence: intron variant.
Genome position (GRCh38, 1-based): chr22:46,377,052, T>A on the plus strand (A>T on the coding strand, the complement: CELSR1 is on the minus strand). VCF-style: chr22-46377052-T-A. GRCh37 (hg19) VCF-style: chr22-46772949-T-A.
Other names: c.7584+9A>T (NM_014246.4).
Identifiers: ClinVar variation 3044193 (VCV003044193.2), dbSNP rs117272906, ClinGen allele CA10293322.